The following is an entry in ClinVar:

ClinVar aggregate classification (germline): Likely benign (0 of 4 stars; one submission).

Conditions:
MPV17-related disorder. Also called: MPV17-related condition; MPV17-related disorders. Identifiers: MedGen CN239328.

gnomAD v4.1: 4 of 1,614,072 alleles (0.00025%); highest among the groups gnomAD compares: African/African-American, 0.0027%; no homozygotes.

Submission:

PreventionGenetics, part of Exact Sciences
Classification: Likely benign for MPV17-related condition. Last evaluated: 2024-04-19. Review status: no assertion criteria provided. Collection method: clinical testing. Allele origin: germline.
Comment: This variant is classified as likely benign based on ACMG/AMP sequence variant interpretation guidelines (Richards et al. 2015 PMID: 25741868, with internal and published modifications).

NM_002437.5(MPV17):c.71-3T>C

Gene: MPV17 (mitochondrial inner membrane protein MPV17; minus strand). Cytogenetic location: 2p23.3.
Variant type: single nucleotide variant.
Coding change: c.71-3T>C on transcript NM_002437.5 (MANE Select); 3 bases into the intron before coding-DNA position 71, T replaced by C.
Molecular consequence: intron variant.
Genome position (GRCh38, 1-based): chr2:27,313,112, A>G on the plus strand (T>C on the coding strand, the complement: MPV17 is on the minus strand). VCF-style: chr2-27313112-A-G. GRCh37 (hg19) VCF-style: chr2-27535979-A-G.
Identifiers: ClinVar variation 3348851 (VCV003348851.1).